The following is an entry in ClinVar:

NM_004959.5(NR5A1):c.1379A>G (p.Gln460Arg)

Gene: NR5A1 (nuclear receptor subfamily 5 group A member 1; minus strand). Cytogenetic location: 9q33.3.
Variant type: single nucleotide variant.
Coding change: c.1379A>G on transcript NM_004959.5 (MANE Select); coding-DNA position 1379, A replaced by G.
Protein change: p.Gln460Arg; replaces glutamine 460 with arginine.
Molecular consequence: missense variant.
Genome position (GRCh38, 1-based): chr9:124,482,765, T>C on the plus strand (A>G on the coding strand, the complement: NR5A1 is on the minus strand). VCF-style: chr9-124482765-T-C. GRCh37 (hg19) VCF-style: chr9-127245044-T-C.
Other names: short protein forms Q460R.
Identifiers: ClinVar variation 429838 (VCV000429838.5), dbSNP rs146454575, ClinGen allele CA199714320.

ClinVar aggregate classification (germline): Uncertain significance. Review status: criteria provided, multiple submitters, no conflicts (2 of 4 stars). 2 submissions from 2 submitters: Uncertain significance (2). Last evaluated 2026-04-01.

gnomAD v4.1: 47 of 1,298,418 alleles (0.0036%); highest among the groups gnomAD compares: South Asian, 0.0073%; no homozygotes.

Submissions (2):

CeGaT Center for Human Genetics Tuebingen
Classification: Uncertain significance. Last evaluated: 2026-04-01. Review status: criteria provided, single submitter. Criteria: CeGaT Center For Human Genetics Tuebingen Variant Classification Criteria Version 2. Collection method: clinical testing. Allele origin: germline. Affected: yes. Observed: 1 variant allele.
Comment: NR5A1: PM2:Supporting, BP4

GeneDx
Classification: Uncertain significance. Last evaluated: 2020-06-19. Review status: criteria provided, single submitter. Criteria: GeneDx Variant Classification Process June 2021. Collection method: clinical testing. Allele origin: germline. Affected: yes.
Comment: In silico analysis supports that this missense variant does not alter protein structure/function; This variant is associated with the following publications: (PMID: 29935645)